The following is an entry in ClinVar:

NM_001368882.1(COL13A1):c.390C>T (p.Pro130=)

Gene: COL13A1 (collagen type XIII alpha 1 chain; plus strand). Cytogenetic location: 10q22.1.
Variant type: single nucleotide variant.
Coding change: c.390C>T on transcript NM_001368882.1 (MANE Select); coding-DNA position 390, C replaced by T.
Protein change: p.Pro130=; no amino-acid change (proline 130 retained).
Molecular consequence: synonymous variant. On other transcripts: 5 prime UTR variant (1), intron variant (4).
Genome position (GRCh38, 1-based): chr10:69,872,201, C>T. VCF-style: chr10-69872201-C-T. GRCh37 (hg19) VCF-style: chr10-71631957-C-T.
Other names: c.390C>T, p.Pro130= (NM_001130103.2, NM_001320951.2, NM_001368883.1 and 7 more transcripts); c.-264C>T (NM_001368886.1); c.372+4396C>T (NM_001368895.1, NM_001368898.1, NM_080798.4 and 1 more transcripts).
Identifiers: ClinVar variation 744671 (VCV000744671.13), dbSNP rs529978009, ClinGen allele CA5534106.
Genomic context (GRCh38, chr10:69,872,201, plus strand): 5'-ACGATACCTGCCTGACCTACGTAAACGTCACTCTTCATTTCAGGGTCCCACTGGAAGACC[C>T]GGACTCCCAGTAAGTCACTTTTGTTTCTTCTTTCCTTTGCATCTCTTTTACGTGCTTTTC-3'
Protein context (NP_001355811.1, residues 120-140): PPGPPGPTGR[Pro130=]GLPGDKGAIG

ClinVar aggregate classification (germline): Benign/Likely benign. Review status: criteria provided, multiple submitters, no conflicts (2 of 4 stars). 3 submissions from 3 submitters: Benign (1); Likely benign (1). 1 of the submissions does not count toward it. Last evaluated 2025-11-21.

Conditions:
COL13A1-related disorder. Also called: COL13A1-related condition.

Allele frequency attached by ClinVar (database versions not stated): gnomAD 0.00003 and 0.00021; TOPMed 0.00006; gnomAD exomes 0.00069; ExAC 0.00083; 1000 Genomes Project 30x 0.00094; 1000 Genomes Project 0.00120.
gnomAD v4.1: 531 of 1,614,046 alleles (0.033%); highest among the groups gnomAD compares: South Asian, 0.52%; 8 homozygotes.

Submissions (3):

Labcorp Genetics (formerly Invitae), Labcorp
Classification: Benign. Last evaluated: 2025-11-21. Review status: criteria provided, single submitter. Criteria: Invitae Variant Classification Sherloc (09022015). Collection method: clinical testing. Allele origin: germline.

Blueprint Genetics
Classification: Likely benign. Last evaluated: 2024-11-18. Review status: criteria provided, single submitter. Criteria: ACMG Guidelines, 2015. Collection method: clinical testing. Allele origin: germline.

PreventionGenetics, part of Exact Sciences
Classification: Likely benign for COL13A1-related condition. Last evaluated: 2020-02-04. Review status: no assertion criteria provided. Collection method: clinical testing. Allele origin: germline. Not counted in ClinVar's aggregate classification.
Comment: This variant is classified as likely benign based on ACMG/AMP sequence variant interpretation guidelines (Richards et al. 2015 PMID: 25741868, with internal and published modifications).